The following is an entry in ClinVar:

ClinVar aggregate classification (germline): Uncertain significance (1 of 4 stars; one submission).

Conditions:
Inborn genetic diseases. Identifiers: MedGen C0950123, MeSH D030342.

Submission:

Ambry Genetics
Classification: Uncertain significance for Inborn genetic diseases. Last evaluated: 2026-06-05. Review status: criteria provided, single submitter. Criteria: Ambry Variant Classification Scheme 2023. Collection method: clinical testing. Allele origin: germline.
Comment: The p.A805D variant (also known as c.2414C>A), located in coding exon 14 of the FANCM gene, results from a C to A substitution at nucleotide position 2414. The alanine at codon 805 is replaced by aspartic acid, an amino acid with dissimilar properties. This amino acid position is conserved. In addition, this alteration is predicted to be tolerated by in silico analysis. Based on the available evidence, the clinical significance of this variant remains unclear.

NM_020937.4(FANCM):c.2414C>A (p.Ala805Asp)

Gene: FANCM (FA complementation group M; plus strand). Cytogenetic location: 14q21.2.
Variant type: single nucleotide variant.
Coding change: c.2414C>A on transcript NM_020937.4 (MANE Select); coding-DNA position 2414, C replaced by A.
Protein change: p.Ala805Asp; replaces alanine 805 with aspartic acid.
Molecular consequence: missense variant.
Genome position (GRCh38, 1-based): chr14:45,175,168, C>A. VCF-style: chr14-45175168-C-A. GRCh37 (hg19) VCF-style: chr14-45644371-C-A.
Other names: c.2336C>A, p.Ala779Asp (NM_001308133.2); short protein forms A779D, A805D.
Identifiers: ClinVar variation 4871179 (VCV004871179.1).